The following is an entry in ClinVar:

NM_152618.3(BBS12):c.1756del (p.Thr586fs)

Gene: BBS12 (Bardet-Biedl syndrome 12; plus strand). Cytogenetic location: 4q27.
Variant type: Deletion.
Coding change: c.1756del on transcript NM_152618.3 (MANE Select); coding-DNA position 1756, one base deleted (A; older notation c.1756delA).
Protein change: p.Thr586fs; shifts the reading frame from threonine 586.
Molecular consequence: frameshift variant.
Genome position (GRCh38, 1-based): chr4:122,743,648, A deleted; the last of 2 consecutive A bases (chr4:122,743,647-122,743,648); deleting either gives the same sequence. VCF-style (leftmost placement, unchanged base first): chr4-122743646-CA-C. GRCh37 (hg19) VCF-style: chr4-123664801-CA-C.
Other names: c.1756del, p.Thr586fs (NM_001178007.2); c.1756delA (NM_152618.2); short protein forms T586fs.
Identifiers: ClinVar variation 3019196 (VCV003019196.6), dbSNP rs2485077960, ClinGen allele CA2578190086.

ClinVar aggregate classification (germline): Pathogenic/Likely pathogenic. Review status: criteria provided, multiple submitters, no conflicts (2 of 4 stars). 4 submissions from 4 submitters: Pathogenic (1); Likely pathogenic (3). Last evaluated 2026-08-04.

Conditions:
Bardet-Biedl syndrome 12 (BBS12). Identifiers: Orphanet 110, MedGen C1859570, MONDO:0014440, OMIM 615989.
BBS12-related disorder. Also called: BBS12-related condition.
Bardet-Biedl syndrome (BBS). Identifiers: Orphanet 110, MedGen C0752166, MONDO:0015229.

Submissions (4):

PreventionGenetics, part of Exact Sciences
Classification: Likely pathogenic for BBS12-related condition. Last evaluated: 2026-08-04. Review status: criteria provided, single submitter. Criteria: ACMG Guidelines, 2015. Collection method: clinical testing. Allele origin: germline.
Comment: The BBS12 c.1756delA variant is predicted to result in a frameshift and premature protein termination (p.Thr586Leufs*52). To our knowledge, this variant has not been reported in the literature or in a large population database (gnomAD), indicating this variant is rare. Frameshift variants in BBS12 are expected to be pathogenic. This variant is interpreted as likely pathogenic.

Fulgent Genetics
Classification: Likely pathogenic for Bardet-Biedl syndrome 12. Last evaluated: 2024-06-11. Review status: criteria provided, single submitter. Criteria: ACMG Guidelines, 2015. Collection method: clinical testing. Allele origin: germline.

Labcorp Genetics (formerly Invitae), Labcorp
Classification: Pathogenic for Bardet-Biedl syndrome. Last evaluated: 2024-05-29. Review status: criteria provided, single submitter. Criteria: Invitae Variant Classification Sherloc (09022015). Collection method: clinical testing. Allele origin: germline.
Comment: This sequence change creates a premature translational stop signal (p.Thr586Leufs*52) in the BBS12 gene. While this is not anticipated to result in nonsense mediated decay, it is expected to disrupt the last 125 amino acid(s) of the BBS12 protein. This variant is not present in population databases (gnomAD no frequency). This variant has not been reported in the literature in individuals affected with BBS12-related conditions. This variant disrupts a region of the BBS12 protein in which other variant(s) (p.Ser701*) have been determined to be pathogenic (PMID: 20648243). This suggests that this is a clinically significant region of the protein, and that variants that disrupt it are likely to be disease-causing. For these reasons, this variant has been classified as Pathogenic.

Blueprint Genetics
Classification: Likely pathogenic for BBS12-related disorders. Last evaluated: 2018-02-13. Review status: criteria provided, single submitter. Criteria: ACMG Guidelines, 2015. Collection method: clinical testing. Allele origin: germline. Affected: yes. Observed: 1 variant allele.

Literature cited by the submitters: PubMed 20648243 (cited by Labcorp Genetics (formerly Invitae), Labcorp).